The following is an entry in ClinVar:

ClinVar aggregate classification (germline): Uncertain significance (1 of 4 stars; one submission).

Allele frequency attached by ClinVar (database versions not stated): TOPMed below 0.00001; ExAC 0.00001; gnomAD 0.00001; gnomAD exomes 0.00001.
gnomAD v4.1: 16 of 1,613,858 alleles (0.00099%); highest among the groups gnomAD compares: East Asian, 0.0045%; no homozygotes.

Submission:

Labcorp Genetics (formerly Invitae), Labcorp
Classification: Uncertain significance. Last evaluated: 2022-05-16. Review status: criteria provided, single submitter. Criteria: Invitae Variant Classification Sherloc (09022015). Collection method: clinical testing. Allele origin: germline.
Comment: This sequence change replaces arginine, which is basic and polar, with cysteine, which is neutral and slightly polar, at codon 117 of the SLC25A3 protein (p.Arg117Cys). This variant is present in population databases (rs771691279, gnomAD 0.01%). This variant has not been reported in the literature in individuals affected with SLC25A3-related conditions. Algorithms developed to predict the effect of missense changes on protein structure and function are either unavailable or do not agree on the potential impact of this missense change (SIFT: "Deleterious"; PolyPhen-2: "Benign"; Align-GVGD: "Class C15"). In summary, the available evidence is currently insufficient to determine the role of this variant in disease. Therefore, it has been classified as a Variant of Uncertain Significance.

NM_002635.4(SLC25A3):c.346C>T (p.Arg116Cys)

Gene: SLC25A3 (solute carrier family 25 member 3; plus strand). Cytogenetic location: 12q23.1.
Variant type: single nucleotide variant.
Coding change: c.346C>T on transcript NM_002635.4 (MANE Select); coding-DNA position 346, C replaced by T.
Protein change: p.Arg116Cys; replaces arginine 116 with cysteine.
Molecular consequence: missense variant.
Genome position (GRCh38, 1-based): chr12:98,597,922, C>T. VCF-style: chr12-98597922-C-T. GRCh37 (hg19) VCF-style: chr12-98991700-C-T.
Other names: c.349C>T, p.Arg117Cys (NM_005888.4); c.346C>T, p.Arg116Cys (NM_213611.3); short protein forms R116C, R117C.
Identifiers: ClinVar variation 2198565 (VCV002198565.1), dbSNP rs771691279, ClinGen allele CA6732949.